The following is an entry in ClinVar:

NM_001793.6(CDH3):c.2305C>T (p.Pro769Ser)

Gene: CDH3 (cadherin 3; plus strand). Cytogenetic location: 16q22.1.
Variant type: single nucleotide variant.
Coding change: c.2305C>T on transcript NM_001793.6 (MANE Select); coding-DNA position 2305, C replaced by T.
Protein change: p.Pro769Ser; replaces proline 769 with serine.
Molecular consequence: missense variant. On other transcripts: 3 prime UTR variant (1).
Genome position (GRCh38, 1-based): chr16:68,698,215, C>T. VCF-style: chr16-68698215-C-T. GRCh37 (hg19) VCF-style: chr16-68732118-C-T.
Other names: c.2305C>T (NM_001793.4); c.*48C>T (NM_001317195.3); c.2140C>T, p.Pro714Ser (NM_001317196.2); short protein forms P714S, P769S.
Identifiers: ClinVar variation 1014165 (VCV001014165.8), dbSNP rs775268226, ClinGen allele CA8129696.

ClinVar aggregate classification (germline): Uncertain significance. Review status: criteria provided, multiple submitters, no conflicts (2 of 4 stars). 3 submissions from 3 submitters: Uncertain significance (3). Last evaluated 2024-11-14.

Conditions:
Inborn genetic diseases. Identifiers: MedGen C0950123, MeSH D030342.

Allele frequency attached by ClinVar (database versions not stated): TOPMed 0.00002; gnomAD 0.00003; ExAC 0.00010.
gnomAD v4.1: 69 of 1,614,094 alleles (0.0043%); highest among the groups gnomAD compares: Non-Finnish European, 0.0046%; no homozygotes.

Submissions (3):

Blueprint Genetics
Classification: Uncertain significance. Last evaluated: 2024-11-14. Review status: criteria provided, single submitter. Criteria: ACMG Guidelines, 2015. Collection method: clinical testing. Allele origin: germline.

Ambry Genetics
Classification: Uncertain significance for Inborn genetic diseases. Last evaluated: 2021-08-09. Review status: criteria provided, single submitter. Criteria: Ambry Variant Classification Scheme 2023. Collection method: clinical testing. Allele origin: germline.

Labcorp Genetics (formerly Invitae), Labcorp
Classification: Uncertain significance. Last evaluated: 2020-06-30. Review status: criteria provided, single submitter. Criteria: Invitae Variant Classification Sherloc (09022015). Collection method: clinical testing. Allele origin: germline.
Comment: This sequence change replaces proline with serine at codon 769 of the CDH3 protein (p.Pro769Ser). The proline residue is highly conserved and there is a moderate physicochemical difference between proline and serine. This variant is present in population databases (rs775268226, ExAC 0.02%). This variant has not been reported in the literature in individuals with CDH3-related conditions. Algorithms developed to predict the effect of missense changes on protein structure and function are either unavailable or do not agree on the potential impact of this missense change (SIFT: "Not Available"; PolyPhen-2: "Probably Damaging"; Align-GVGD: "Not Available"). In summary, the available evidence is currently insufficient to determine the role of this variant in disease. Therefore, it has been classified as a Variant of Uncertain Significance.